The following is an entry in ClinVar:

NM_000414.4(HSD17B4):c.351T>C (p.Asp117=)

Gene: HSD17B4 (hydroxysteroid 17-beta dehydrogenase 4; plus strand). Cytogenetic location: 5q23.1.
Variant type: single nucleotide variant.
Coding change: c.351T>C on transcript NM_000414.4 (MANE Select); coding-DNA position 351, T replaced by C.
Protein change: p.Asp117=; no amino-acid change (aspartic acid 117 retained).
Molecular consequence: synonymous variant. On other transcripts: 5 prime UTR variant (5), non-coding transcript variant (2).
Genome position (GRCh38, 1-based): chr5:119,477,418, T>C. VCF-style: chr5-119477418-T-C. GRCh37 (hg19) VCF-style: chr5-118813113-T-C.
Other names: c.426T>C, p.Asp142= (NM_001199291.3); c.297T>C, p.Asp99= (NM_001199292.2); c.279T>C, p.Asp93= (NM_001292027.2); c.-61T>C (NM_001292028.2, NM_001374501.1, NM_001374502.1 and 1 more transcripts); c.351T>C, p.Asp117= (NM_001374497.1, NM_001374498.1); c.24T>C, p.Asp8= (NM_001374499.1); c.-188T>C (NM_001374500.1); c.351T>C (NM_000414.3).
Identifiers: ClinVar variation 1120738 (VCV001120738.10), dbSNP rs200667890, ClinGen allele CA3381809.
Genomic context (GRCh38, chr5:119,477,418, plus strand): 5'-ATTCTTAGACATGCCTAAGTTTTTACAAAATATTTAATAAAAATAATTTATTGTTTTAGA[T>C]ATAATCCACAGAGTTCATTTGCGGGGTTCATTCCAAGTGACACGGGCAGCATGGGAACAC-3'
Protein context (NP_000405.1, residues 107-127): SFARISDEDW[Asp117=]IIHRVHLRGS

ClinVar aggregate classification (germline): Likely benign. Review status: criteria provided, multiple submitters, no conflicts (2 of 4 stars). 2 submissions from 2 submitters: Likely benign (2). Last evaluated 2025-04-29.

Conditions:
HSD17B4-related disorder. Also called: HSD17B4-related condition; HSD17B4-related disorders.
Bifunctional peroxisomal enzyme deficiency (DBIF). Also called: DBP DEFICIENCY; PBFE DEFICIENCY; D-bifunctional protein deficiency. Identifiers: Orphanet 300, MedGen C0342870, MONDO:0009855, OMIM 261515. Disease mechanism: loss of function.
Perrault syndrome. Also called: Gonadal dysgenesis with auditory dysfunction, autosomal recessive inheritance. Identifiers: Orphanet 2855, MedGen C0685838, MONDO:0017312.

gnomAD v4.1: 2 of 1,598,348 alleles (0.00013%); highest among the groups gnomAD compares: South Asian, 0.0022%; no homozygotes.

Submissions (2):

PreventionGenetics, part of Exact Sciences
Classification: Likely benign for HSD17B4-related condition. Last evaluated: 2025-04-29. Review status: criteria provided, single submitter. Criteria: ACMG Guidelines, 2015. Collection method: clinical testing. Allele origin: germline.
Comment: This variant is classified as likely benign based on ACMG/AMP sequence variant interpretation guidelines (Richards et al. 2015 PMID: 25741868, with internal and published modifications).

Labcorp Genetics (formerly Invitae), Labcorp
Classification: Likely benign for Perrault syndrome; Bifunctional peroxisomal enzyme deficiency. Last evaluated: 2022-08-06. Review status: criteria provided, single submitter. Criteria: Invitae Variant Classification Sherloc (09022015). Collection method: clinical testing. Allele origin: germline.